The following is an entry in ClinVar:

ClinVar aggregate classification (germline): Uncertain significance (1 of 4 stars; one submission).

Allele frequency attached by ClinVar (database versions not stated): gnomAD exomes 0.00001 and 0.00002; TOPMed 0.00001; ExAC 0.00002; gnomAD 0.00002; 1000 Genomes Project 30x 0.00016; 1000 Genomes Project 0.00020.
gnomAD v4.1: 14 of 1,612,198 alleles (0.00087%); highest among the groups gnomAD compares: Middle Eastern, 0.017%; no homozygotes.

Submission:

Labcorp Genetics (formerly Invitae), Labcorp
Classification: Uncertain significance. Last evaluated: 2021-06-18. Review status: criteria provided, single submitter. Criteria: Invitae Variant Classification Sherloc (09022015). Collection method: clinical testing. Allele origin: germline.
Comment: In summary, the available evidence is currently insufficient to determine the role of this variant in disease. Therefore, it has been classified as a Variant of Uncertain Significance. This sequence change replaces glutamine with arginine at codon 800 of the C5 protein (p.Gln800Arg). The glutamine residue is moderately conserved and there is a small physicochemical difference between glutamine and arginine. This variant is present in population databases (rs531503832, ExAC 0.01%). This variant has not been reported in the literature in individuals with C5-related conditions. Algorithms developed to predict the effect of missense changes on protein structure and function (SIFT, PolyPhen-2, Align-GVGD) all suggest that this variant is likely to be tolerated, but these predictions have not been confirmed by published functional studies and their clinical significance is uncertain.

NM_001735.3(C5):c.2399A>G (p.Gln800Arg)

Gene: C5 (complement C5; minus strand). Cytogenetic location: 9q33.2.
Variant type: single nucleotide variant.
Coding change: c.2399A>G on transcript NM_001735.3 (MANE Select); coding-DNA position 2399, A replaced by G.
Protein change: p.Gln800Arg; replaces glutamine 800 with arginine.
Molecular consequence: missense variant.
Genome position (GRCh38, 1-based): chr9:121,006,927, T>C on the plus strand (A>G on the coding strand, the complement: C5 is on the minus strand). VCF-style: chr9-121006927-T-C. GRCh37 (hg19) VCF-style: chr9-123769205-T-C.
Other names: c.2417A>G, p.Gln806Arg (NM_001317163.2); c.2399A>G, p.Gln800Arg (NM_001317164.2); short protein forms Q800R, Q806R.
Identifiers: ClinVar variation 1493352 (VCV001493352.6), dbSNP rs531503832, ClinGen allele CA5217787.